The following is an entry in ClinVar:

ClinVar aggregate classification (germline): Benign/Likely benign. Review status: criteria provided, multiple submitters, no conflicts (2 of 4 stars). 3 submissions from 3 submitters: Benign (1); Likely benign (2). Last evaluated 2025-11-13.

Conditions:
Palmoplantar keratoderma, epidermolytic. Also called: Localized epidermolytic hyperkeratosis. Identifiers: MedGen C1721006, MONDO:0968949, HP:0007559.

Allele frequency attached by ClinVar (database versions not stated): ESP Exome Variant Server 0.00023; gnomAD exomes 0.00024 and 0.00037; gnomAD 0.00029 and 0.00037; TOPMed 0.00033; ExAC 0.00040; 1000 Genomes Project 30x 0.00094; 1000 Genomes Project 0.00120.
gnomAD v4.1: 455 of 1,613,956 alleles (0.028%); highest among the groups gnomAD compares: East Asian, 0.82%; 4 homozygotes.

Submissions (3):

Labcorp Genetics (formerly Invitae), Labcorp
Classification: Benign. Last evaluated: 2025-11-13. Review status: criteria provided, single submitter. Criteria: Invitae Variant Classification Sherloc (09022015). Collection method: clinical testing. Allele origin: germline.

Blueprint Genetics
Classification: Likely benign. Last evaluated: 2024-09-27. Review status: criteria provided, single submitter. Criteria: ACMG Guidelines, 2015. Collection method: clinical testing. Allele origin: germline.

Illumina Laboratory Services, Illumina
Classification: Likely benign for Epidermolytic palmoplantar keratoderma, 1. Last evaluated: 2018-01-13. Review status: criteria provided, single submitter. Criteria: ICSL Variant Classification Criteria 13 December 2019. Collection method: clinical testing. Allele origin: germline.
Comment: This variant was observed in the ICSL laboratory as part of a predisposition screen in an ostensibly healthy population. It had not been previously curated by ICSL or reported in the Human Gene Mutation Database (HGMD: prior to June 1st, 2018), and was therefore a candidate for classification through an automated scoring system. Utilizing variant allele frequency, disease prevalence and penetrance estimates, and inheritance mode, an automated score was calculated to assess if this variant is too frequent to cause the disease. Based on the score and internal cut-off values, a variant classified as likely benign is not then subjected to further curation. The score for this variant resulted in a classification of likely benign for this disease.

NM_000226.4(KRT9):c.540C>A (p.Asp180Glu)

Gene: KRT9 (keratin 9; minus strand). Cytogenetic location: 17q21.2.
Variant type: single nucleotide variant.
Coding change: c.540C>A on transcript NM_000226.4 (MANE Select); coding-DNA position 540, C replaced by A.
Protein change: p.Asp180Glu; replaces aspartic acid 180 with glutamic acid.
Molecular consequence: missense variant.
Genome position (GRCh38, 1-based): chr17:41,571,453, G>T on the plus strand (C>A on the coding strand, the complement: KRT9 is on the minus strand). VCF-style: chr17-41571453-G-T. GRCh37 (hg19) VCF-style: chr17-39727705-G-T.
Other names: short protein forms D180E.
Identifiers: ClinVar variation 323135 (VCV000323135.16), dbSNP rs114438618, ClinGen allele CA8562221.